The following is an entry in ClinVar:

ClinVar aggregate classification (germline): Benign. Review status: reviewed by expert panel (3 of 4 stars). 2 submissions from 2 submitters: Benign (1). 1 of the submissions does not count toward it. Last evaluated 2015-01-12.

Conditions:
Breast-ovarian cancer, familial, susceptibility to, 1 (BROVCA1). Also called: BRCA1 Hereditary Breast and Ovarian Cancer; OVARIAN CANCER, SUSCEPTIBILITY TO. Identifiers: Orphanet 145, MedGen C2676676, MONDO:0011450, OMIM 604370. Disease mechanism: loss of function.

Submissions (2):

Evidence-based Network for the Interpretation of Germline Mutant Alleles (ENIGMA)
Classification: Benign for Breast-ovarian cancer, familial 1. Last evaluated: 2015-01-12. Review status: reviewed by expert panel. Criteria: ENIGMA BRCA1/2 Classification Criteria (2015). Collection method: curation. Allele origin: germline.
Comment: Class 1 not pathogenic based on frequency >1% in an outbred sampleset. Frequency 0.33 (Asian), 0.13 (African), 0.35 (European), derived from 1000 genomes (2012-04-30).

GeneDx
Classification: Benign. Last evaluated: 2018-06-23. Review status: criteria provided, single submitter. Criteria: GeneDx Variant Classification Process June 2021. Collection method: clinical testing. Allele origin: germline. Affected: yes. Not counted in ClinVar's aggregate classification.

NM_007294.4(BRCA1):c.4485-203_4485-199del

Gene: BRCA1 (BRCA1 DNA repair associated; minus strand). Cytogenetic location: 17q21.31.
Variant type: Microsatellite.
Coding change: c.4485-203_4485-199del on transcript NM_007294.4 (MANE Select); 203 bases into the intron before coding-DNA position 4485 through 199 bases into the intron before coding-DNA position 4485, 5 bases deleted (AACCC; older notation c.4485-203_4485-199delAACCC).
Molecular consequence: intron variant.
Genome position (GRCh38, 1-based): chr17:43,074,720-43,074,724, GGGTT deleted on the plus strand (AACCC on the coding strand, the reverse complement: BRCA1 is on the minus strand); deleting any 5 consecutive bases within chr17:43,074,720-43,074,731 gives the same sequence; the c. name uses the placement nearest the transcript's 3' end. VCF-style (leftmost placement, unchanged base first): chr17-43074719-GGGGTT-G. GRCh37 (hg19) VCF-style: chr17-41226736-GGGGTT-G.
Other names: IVS 14-203del5; c.1032-203_1032-199del (NM_001408458.1, NM_001408461.1, NM_001408464.1 and 7 more transcripts); c.3594-203_3594-199del (NM_001407967.1); c.4104-203_4104-199del (NM_001407959.1); c.4218-203_4218-199del (NM_001407931.1, NM_001407932.1, NM_001407928.1 and 4 more transcripts); c.4341-203_4341-199del (NM_001407747.1, NM_001407745.1, NM_001407737.1 and 21 more transcripts); c.4101-203_4101-199del (NM_001407962.1, NM_001407960.1); c.672-203_672-199del (NM_001408512.1); and 72 more.
Identifiers: ClinVar variation 209376 (VCV000209376.4), dbSNP rs34250703, ClinGen allele CA276348.